The following is an entry in ClinVar:

NM_001267550.2(TTN):c.106549G>A (p.Ala35517Thr)

Genes: TTN (titin; minus strand), TTN-AS1 (TTN antisense RNA 1; plus strand). Cytogenetic location: 2q31.2.
Variant type: single nucleotide variant.
Coding change: c.106549G>A on transcript NM_001267550.2 (MANE Select); coding-DNA position 106549, G replaced by A.
Protein change: p.Ala35517Thr; replaces alanine 35517 with threonine.
Molecular consequence: missense variant.
Genome position (GRCh38, 1-based): chr2:178,529,202, C>T on the plus strand (G>A on the coding strand, the complement: TTN is on the minus strand). VCF-style: chr2-178529202-C-T. GRCh37 (hg19) VCF-style: chr2-179393929-C-T.
Other names: c.101626G>A, p.Ala33876Thr (NM_001256850.1); c.79354G>A, p.Ala26452Thr (NM_003319.4); c.98845G>A, p.Ala32949Thr (NM_133378.4); c.79729G>A, p.Ala26577Thr (NM_133432.3); c.79930G>A, p.Ala26644Thr (NM_133437.4); short protein forms A26452T, A26577T, A26644T, A32949T, A33876T, A35517T.
Identifiers: ClinVar variation 1060118 (VCV001060118.7), dbSNP rs772279090, ClinGen allele CA1985072.
Genomic context (GRCh38, chr2:178,529,202, plus strand): 5'-GGACAACAGCTTTCTTCTGAGGTGTAATTTCAGAAGTCTTTTGTGTAGAGACTTTCTGTG[C>T]CTCAGTATCTTTTATAGCTAAAAAAGAAACCTCTGTAAGGCAAACTTAATTAGAAAGAGA-3'
Protein context (NP_001254479.2, residues 35507-35527): LTIKAIKDTE[Ala35517Thr]QKVSTQKTSE

ClinVar aggregate classification (germline): Uncertain significance (1 of 4 stars; one submission).

Conditions:
Autosomal recessive limb-girdle muscular dystrophy type 2J (LGMDR10). Also called: MUSCULAR DYSTROPHY, LIMB-GIRDLE, AUTOSOMAL RECESSIVE 10; Limb-girdle muscular dystrophy, type 2J. Identifiers: Orphanet 140922, MedGen C1837342, MONDO:0012127, OMIM 608807.
Dilated cardiomyopathy 1G (CMD1G). Identifiers: Orphanet 154, MedGen C1858763, MONDO:0011400, OMIM 604145.

Allele frequency attached by ClinVar (database versions not stated): gnomAD exomes below 0.00001 and 0.00001; ExAC 0.00003.
gnomAD v4.1: 1 of 1,490,078 alleles (0.000067%); highest among the groups gnomAD compares: South Asian, 0.0014%; no homozygotes.

Submission:

Labcorp Genetics (formerly Invitae), Labcorp
Classification: Uncertain significance for Dilated cardiomyopathy 1G; Autosomal recessive limb-girdle muscular dystrophy type 2J. Last evaluated: 2024-01-19. Review status: criteria provided, single submitter. Criteria: Invitae Variant Classification Sherloc (09022015). Collection method: clinical testing. Allele origin: germline.
Comment: This sequence change replaces alanine, which is neutral and non-polar, with threonine, which is neutral and polar, at codon 35517 of the TTN protein (p.Ala35517Thr). This variant is present in population databases (rs772279090, gnomAD 0.009%). This variant has not been reported in the literature in individuals affected with TTN-related conditions. ClinVar contains an entry for this variant (Variation ID: 1060118). Algorithms developed to predict the effect of missense changes on protein structure and function output the following: SIFT: "Not Available"; PolyPhen-2: "Not Available"; Align-GVGD: "Not Available". The threonine amino acid residue is found in multiple mammalian species, which suggests that this missense change does not adversely affect protein function. This variant is located in the M band of TTN (PMID: 25589632). Non-truncating variants in this region may be relevant for neuromuscular disorders, but have not been definitively shown to cause cardiomyopathy (PMID: 23975875). In summary, the available evidence is currently insufficient to determine the role of this variant in disease. Therefore, it has been classified as a Variant of Uncertain Significance.

Literature cited by the submitters: PubMed 25589632; PubMed 23975875.